The following is an entry in ClinVar:

ClinVar aggregate classification (germline): Uncertain significance (1 of 4 stars; one submission).

Conditions:
Fanconi anemia complementation group J. Also called: BRIP1-Related Fanconi Anemia. Identifiers: Orphanet 84, MedGen C1836860, MONDO:0012187, OMIM 609054.
Familial cancer of breast. Also called: BREAST CANCER, FAMILIAL; Hereditary breast cancer; hereditary breast carcinoma. Identifiers: Orphanet 227535, MedGen C0346153, MONDO:0016419, OMIM 114480. Disease mechanism: loss of function.

Submission:

Labcorp Genetics (formerly Invitae), Labcorp
Classification: Uncertain significance for Familial cancer of breast; Fanconi anemia complementation group J. Last evaluated: 2022-11-23. Review status: criteria provided, single submitter. Criteria: Invitae Variant Classification Sherloc (09022015). Collection method: clinical testing. Allele origin: germline.
Comment: This variant is not present in population databases (gnomAD no frequency). This sequence change replaces tyrosine, which is neutral and polar, with cysteine, which is neutral and slightly polar, at codon 8 of the BRIP1 protein (p.Tyr8Cys). This variant has not been reported in the literature in individuals affected with BRIP1-related conditions. Advanced modeling of protein sequence and biophysical properties (such as structural, functional, and spatial information, amino acid conservation, physicochemical variation, residue mobility, and thermodynamic stability) performed at Invitae indicates that this missense variant is expected to disrupt BRIP1 protein function. In summary, the available evidence is currently insufficient to determine the role of this variant in disease. Therefore, it has been classified as a Variant of Uncertain Significance.

NM_032043.3(BRIP1):c.23A>G (p.Tyr8Cys)

Gene: BRIP1 (BRCA1 interacting DNA helicase 1; minus strand). Cytogenetic location: 17q23.2.
Variant type: single nucleotide variant.
Coding change: c.23A>G on transcript NM_032043.3 (MANE Select); coding-DNA position 23, A replaced by G.
Protein change: p.Tyr8Cys; replaces tyrosine 8 with cysteine.
Molecular consequence: missense variant.
Genome position (GRCh38, 1-based): chr17:61,861,517, T>C on the plus strand (A>G on the coding strand, the complement: BRIP1 is on the minus strand). VCF-style: chr17-61861517-T-C. GRCh37 (hg19) VCF-style: chr17-59938878-T-C.
Other names: short protein forms Y8C.
Identifiers: ClinVar variation 2941722 (VCV002941722.3), dbSNP rs2145865832, ClinGen allele CA400486050.